The following is an entry in ClinVar:

ClinVar aggregate classification (germline): Benign/Likely benign. Review status: criteria provided, multiple submitters, no conflicts (2 of 4 stars). 5 submissions from 5 submitters: Benign (1); Likely benign (4). Last evaluated 2024-05-13.

Conditions:
Ataxia-telangiectasia syndrome (AT). Also called: ATAXIA-TELANGIECTASIA, COMPLEMENTATION GROUP A; Ataxia telangiectasia (A-T); Ataxia-telangiectasia, complementation group E; Ataxia-telangiectasia; Cerebello-oculocutaneous telangiectasia; Immunodeficiency with ataxia telangiectasia. Identifiers: Orphanet 100, MedGen C0004135, MONDO:0008840, OMIM 208900.
Familial cancer of breast. Also called: Hereditary breast cancer; BREAST CANCER, FAMILIAL; hereditary breast carcinoma. Identifiers: Orphanet 227535, MedGen C0346153, MONDO:0016419, OMIM 114480. Disease mechanism: loss of function.
Hereditary cancer-predisposing syndrome. Also called: Neoplastic Syndromes, Hereditary; Tumor predisposition; Hereditary Cancer Syndrome; Hereditary neoplastic syndrome. Identifiers: Orphanet 140162, MedGen C0027672, MeSH D009386, MONDO:0015356.

Allele frequency attached by ClinVar (database versions not stated): ExAC 0.00001.
gnomAD v4.1: 3 of 1,613,810 alleles (0.00019%); highest among the groups gnomAD compares: South Asian, 0.0022%; no homozygotes.

Submissions (5):

Myriad Genetics, Inc.
Classification: Benign for Familial cancer of breast. Last evaluated: 2024-05-13. Review status: criteria provided, single submitter. Criteria: Myriad Autosomal Dominant, Autosomal Recessive and X-Linked Classification Criteria (2023). Collection method: clinical testing. Allele origin: unknown.
Comment: This variant is considered benign. This variant is a silent/synonymous amino acid change and it is not expected to impact splicing.

Labcorp Genetics (formerly Invitae), Labcorp
Classification: Likely benign for Ataxia-telangiectasia syndrome. Last evaluated: 2024-01-30. Review status: criteria provided, single submitter. Criteria: Invitae Variant Classification Sherloc (09022015). Collection method: clinical testing. Allele origin: germline.

Color Diagnostics, LLC DBA Color Health
Classification: Likely benign for Hereditary cancer-predisposing syndrome. Last evaluated: 2022-06-13. Review status: criteria provided, single submitter. Criteria: ACMG Guidelines, 2015. Collection method: clinical testing. Allele origin: germline.

Sema4
Classification: Likely benign for Hereditary cancer-predisposing syndrome. Last evaluated: 2021-02-01. Review status: criteria provided, single submitter. Criteria: Sema4 Curation Guidelines. Collection method: curation. Allele origin: germline.

Ambry Genetics
Classification: Likely benign for Hereditary cancer-predisposing syndrome. Last evaluated: 2019-10-24. Review status: criteria provided, single submitter. Criteria: Ambry Variant Classification Scheme 2023. Collection method: clinical testing. Allele origin: germline.

NM_000051.4(ATM):c.3138T>C (p.Leu1046=)

Gene: ATM (ATM serine/threonine kinase; plus strand). Cytogenetic location: 11q22.3.
Variant type: single nucleotide variant.
Coding change: c.3138T>C on transcript NM_000051.4 (MANE Select); coding-DNA position 3138, T replaced by C.
Protein change: p.Leu1046=; no amino-acid change (leucine 1046 retained).
Molecular consequence: synonymous variant.
Genome position (GRCh38, 1-based): chr11:108,272,592, T>C. VCF-style: chr11-108272592-T-C. GRCh37 (hg19) VCF-style: chr11-108143319-T-C.
Other names: c.3138T>C, p.Leu1046= (NM_001351834.2).
Identifiers: ClinVar variation 1571985 (VCV001571985.14), dbSNP rs3092858, ClinGen allele CA6265200.